The following is an entry in ClinVar:

ClinVar aggregate classification (germline): Uncertain significance (1 of 4 stars; one submission).

Allele frequency attached by ClinVar (database versions not stated): ExAC 0.00002; gnomAD 0.00002; TOPMed 0.00001.

Submission:

Labcorp Genetics (formerly Invitae), Labcorp
Classification: Uncertain significance. Last evaluated: 2026-01-12. Review status: criteria provided, single submitter. Criteria: Invitae Variant Classification Sherloc (09022015). Collection method: clinical testing. Allele origin: germline.
Comment: This sequence change replaces aspartic acid, which is acidic and polar, with asparagine, which is neutral and polar, at codon 52 of the TMED7 protein (p.Asp52Asn). This variant is present in population databases (rs753271890, gnomAD 0.007%). This variant has not been reported in the literature in individuals affected with TMED7-related conditions. ClinVar contains an entry for this variant (Variation ID: 2883296). An algorithm developed to predict the effect of missense changes on protein structure and function (PolyPhen-2) suggests that this variant is likely to be tolerated. In summary, the available evidence is currently insufficient to determine the role of this variant in disease. Therefore, it has been classified as a Variant of Uncertain Significance.

NM_181836.6(TMED7):c.154G>A (p.Asp52Asn)

Genes: TMED7 (transmembrane p24 trafficking protein 7; minus strand), TMED7-TICAM2 (TMED7-TICAM2 readthrough; minus strand). Cytogenetic location: 5q22.3.
Variant type: single nucleotide variant.
Coding change: c.154G>A on transcript NM_181836.6 (MANE Select); coding-DNA position 154, G replaced by A.
Protein change: p.Asp52Asn; replaces aspartic acid 52 with asparagine.
Molecular consequence: missense variant.
Genome position (GRCh38, 1-based): chr5:115,625,639, C>T on the plus strand (G>A on the coding strand, the complement: TMED7 is on the minus strand). VCF-style: chr5-115625639-C-T. GRCh37 (hg19) VCF-style: chr5-114961336-C-T.
Other names: c.154G>A, p.Asp52Asn (NM_001164468.4, NM_001164469.4); short protein forms D52N.
Identifiers: ClinVar variation 2883296 (VCV002883296.3), dbSNP rs753271890, ClinGen allele CA3375234.